The following is an entry in ClinVar:

NM_000286.3(PEX12):c.693G>A (p.Lys231=)

Gene: PEX12 (peroxisomal biogenesis factor 12; minus strand). Cytogenetic location: 17q12.
Variant type: single nucleotide variant.
Coding change: c.693G>A on transcript NM_000286.3 (MANE Select); coding-DNA position 693, G replaced by A.
Protein change: p.Lys231=; no amino-acid change (lysine 231 retained).
Molecular consequence: synonymous variant.
Genome position (GRCh38, 1-based): chr17:35,576,169, C>T on the plus strand (G>A on the coding strand, the complement: PEX12 is on the minus strand). VCF-style: chr17-35576169-C-T. GRCh37 (hg19) VCF-style: chr17-33903188-C-T.
Other names: c.693G>A (NM_000286.2).
Identifiers: ClinVar variation 2024645 (VCV002024645.5), dbSNP rs928221608, ClinGen allele CA290068487.

ClinVar aggregate classification (germline): Likely benign. Review status: criteria provided, multiple submitters, no conflicts (2 of 4 stars). 2 submissions from 2 submitters: Likely benign (2). Last evaluated 2026-01-17.

Conditions:
PEX12-related disorder. Also called: PEX12-related disorders; PEX12-related condition.
Peroxisome biogenesis disorder 3A (Zellweger). Also called: PEROXISOMAL BIOGENESIS DISORDER 3A (ZELLWEGER); Peroxisome biogenesis disorder 3A. Identifiers: Orphanet 912, MedGen C3553929, MONDO:0013927, OMIM 614859.

Submissions (2):

PreventionGenetics, part of Exact Sciences
Classification: Likely benign for PEX12-related condition. Last evaluated: 2026-01-17. Review status: criteria provided, single submitter. Criteria: ACMG Guidelines, 2015. Collection method: clinical testing. Allele origin: germline.
Comment: This variant is classified as likely benign based on ACMG/AMP sequence variant interpretation guidelines (Richards et al. 2015 PMID: 25741868, with internal and published modifications).

Labcorp Genetics (formerly Invitae), Labcorp
Classification: Likely benign for Peroxisome biogenesis disorder 3A (Zellweger). Last evaluated: 2025-01-25. Review status: criteria provided, single submitter. Criteria: Invitae Variant Classification Sherloc (09022015). Collection method: clinical testing. Allele origin: germline.